The following is an entry in ClinVar:

NM_001378120.1(MBD5):c.4424G>A (p.Gly1475Glu)

Gene: MBD5 (methyl-CpG binding domain protein 5; plus strand). Cytogenetic location: 2q23.1.
Variant type: single nucleotide variant.
Coding change: c.4424G>A on transcript NM_001378120.1 (MANE Select); coding-DNA position 4424, G replaced by A.
Protein change: p.Gly1475Glu; replaces glycine 1475 with glutamic acid.
Molecular consequence: missense variant.
Genome position (GRCh38, 1-based): chr2:148,490,056, G>A. VCF-style: chr2-148490056-G-A. GRCh37 (hg19) VCF-style: chr2-149247625-G-A.
Other names: c.3725G>A, p.Gly1242Glu (NM_018328.5, NM_001438855.1, NM_001438859.1 and 3 more transcripts); c.4424G>A, p.Gly1475Glu (NM_001438854.1, NM_001438856.1, NM_001438857.1 and 1 more transcripts); short protein forms G1242E, G1475E.
Identifiers: ClinVar variation 4743589 (VCV004743589.1).

ClinVar aggregate classification (germline): Uncertain significance (1 of 4 stars; one submission).

Conditions:
Intellectual developmental disorder, autosomal dominant 1. Also called: MBD5 Haploinsufficiency; Intellectual disability, autosomal dominant 1. Identifiers: Orphanet 228402, MedGen C1969562, MONDO:0007974, OMIM 156200.

gnomAD v4.1: 16 of 1,613,818 alleles (0.00099%); highest among the groups gnomAD compares: African/African-American, 0.0013%; no homozygotes.

Submission:

Labcorp Genetics (formerly Invitae), Labcorp
Classification: Uncertain significance for Intellectual developmental disorder, autosomal dominant 1. Last evaluated: 2025-03-22. Review status: criteria provided, single submitter. Criteria: Invitae Variant Classification Sherloc (09022015). Collection method: clinical testing. Allele origin: germline.
Comment: This sequence change replaces glycine, which is neutral and non-polar, with glutamic acid, which is acidic and polar, at codon 1242 of the MBD5 protein (p.Gly1242Glu). This variant is not present in population databases (gnomAD no frequency). This variant has not been reported in the literature in individuals affected with MBD5-related conditions. Experimental studies and prediction algorithms are not available or were not evaluated, and the functional significance of this variant is currently unknown. In summary, the available evidence is currently insufficient to determine the role of this variant in disease. Therefore, it has been classified as a Variant of Uncertain Significance.